The following is an entry in ClinVar:

ClinVar aggregate classification (germline): Pathogenic/Likely pathogenic. Review status: criteria provided, multiple submitters, no conflicts (2 of 4 stars). 2 submissions from 2 submitters: Pathogenic (1); Likely pathogenic (1). Last evaluated 2026-07-23.

Conditions:
CYP21A2-related disorder. Also called: CYP21A2-related condition.
21-Hydroxylase-Deficient Congenital Adrenal Hyperplasia. Also called: ADRENAL HYPERPLASIA III; ADRENAL HYPERPLASIA, CONGENITAL, DUE TO 21-HYDROXYLASE DEFICIENCY. Identifiers: MedGen C2936858, OMIM 201910.

Submissions (2):

PreventionGenetics, part of Exact Sciences
Classification: Pathogenic for CYP21A2-related condition. Last evaluated: 2026-07-23. Review status: criteria provided, single submitter. Criteria: ACMG Guidelines, 2015. Collection method: clinical testing. Allele origin: germline.
Comment: The CYP21A2 c.1301T>C variant is predicted to result in the amino acid substitution p.Leu434Pro. This variant, also known as L433P, has been reported to be likely associated with salt-wasting (SW) congenital adrenal hyperplasia (CAH) (Table S7 at New et al. 2013. PubMed ID: 23359698; Haider et al. 2013. PubMed ID: 23359706; Keen-Kim et al. 2005. PubMed ID: 15858147). This variant has not been reported in a large population database (gnomAD), indicating this variant is rare. This variant is interpreted as pathogenic.

Newborn Screening Ontario, Children's Hospital of Eastern Ontario (CHEO)
Classification: Likely pathogenic for 21-Hydroxylase-Deficient Congenital Adrenal Hyperplasia. Last evaluated: 2023-02-24. Review status: criteria provided, single submitter. Criteria: ACMG Guidelines, 2015. Collection method: clinical testing. Allele origin: germline. Inheritance: Autosomal recessive inheritance.

NM_000500.9(CYP21A2):c.1301T>C (p.Leu434Pro)

Genes: CYP21A2 (cytochrome P450 family 21 subfamily A member 2; plus strand), LOC106780800 (CYP21A2 recombination region; plus strand). Cytogenetic location: 6p21.33.
Variant type: single nucleotide variant.
Coding change: c.1301T>C on transcript NM_000500.9 (MANE Select); coding-DNA position 1301, T replaced by C.
Protein change: p.Leu434Pro; replaces leucine 434 with proline.
Molecular consequence: missense variant.
Genome position (GRCh38, 1-based): chr6:32,040,947, T>C. VCF-style: chr6-32040947-T-C. GRCh37 (hg19) VCF-style: chr6-32008724-T-C.
Other names: c.1211T>C, p.Leu404Pro (NM_001128590.4); c.896T>C, p.Leu299Pro (NM_001368143.2, NM_001368144.2); c.1301T>C (NM_000500.7); short protein forms L299P, L404P, L434P.
Identifiers: ClinVar variation 4075783 (VCV004075783.2).